The following is an entry in ClinVar:

ClinVar aggregate classification (germline): Uncertain significance. Review status: criteria provided, multiple submitters, no conflicts (2 of 4 stars). 2 submissions from 2 submitters: Uncertain significance (2). Last evaluated 2025-08-28.

Conditions:
Inborn genetic diseases. Identifiers: MedGen C0950123, MeSH D030342.

Allele frequency attached by ClinVar (database versions not stated): gnomAD 0.00002; TOPMed 0.00003; ESP Exome Variant Server 0.00008; ExAC 0.00002.
gnomAD v4.1: 34 of 1,613,980 alleles (0.0021%); highest among the groups gnomAD compares: Non-Finnish European, 0.00025%; 1 homozygote.

Submissions (2):

Ambry Genetics
Classification: Uncertain significance for Inborn genetic diseases. Last evaluated: 2025-08-28. Review status: criteria provided, single submitter. Criteria: Ambry Variant Classification Scheme 2023. Collection method: clinical testing. Allele origin: germline.

Labcorp Genetics (formerly Invitae), Labcorp
Classification: Uncertain significance. Last evaluated: 2022-04-30. Review status: criteria provided, single submitter. Criteria: Invitae Variant Classification Sherloc (09022015). Collection method: clinical testing. Allele origin: germline.
Comment: This sequence change replaces glycine, which is neutral and non-polar, with alanine, which is neutral and non-polar, at codon 345 of the SLC4A11 protein (p.Gly345Ala). This variant is present in population databases (rs376623977, gnomAD 0.08%). This variant has not been reported in the literature in individuals affected with SLC4A11-related conditions. Algorithms developed to predict the effect of missense changes on protein structure and function are either unavailable or do not agree on the potential impact of this missense change (SIFT: "Tolerated"; PolyPhen-2: "Probably Damaging"; Align-GVGD: "Class C0"). In summary, the available evidence is currently insufficient to determine the role of this variant in disease. Therefore, it has been classified as a Variant of Uncertain Significance.

NM_001174089.2(SLC4A11):c.986G>C (p.Gly329Ala)

Gene: SLC4A11 (solute carrier family 4 member 11; minus strand). Cytogenetic location: 20p13.
Variant type: single nucleotide variant.
Coding change: c.986G>C on transcript NM_001174089.2 (MANE Select); coding-DNA position 986, G replaced by C.
Protein change: p.Gly329Ala; replaces glycine 329 with alanine.
Molecular consequence: missense variant. On other transcripts: non-coding transcript variant (3).
Genome position (GRCh38, 1-based): chr20:3,231,205, C>G on the plus strand (G>C on the coding strand, the complement: SLC4A11 is on the minus strand). VCF-style: chr20-3231205-C-G. GRCh37 (hg19) VCF-style: chr20-3211851-C-G.
Other names: c.1115G>C, p.Gly372Ala (NM_001174090.2, NM_001400280.1); c.986G>C, p.Gly329Ala (NM_001363745.2); c.929G>C, p.Gly310Ala (NM_001400277.1, NM_001400278.1, NM_001400279.1); c.1034G>C, p.Gly345Ala (NM_032034.4); c.1034G>C (NM_032034.3); short protein forms G329A, G345A, G310A, G372A.
Identifiers: ClinVar variation 2147184 (VCV002147184.2), dbSNP rs376623977, ClinGen allele CA9742045.